The following is an entry in ClinVar:

ClinVar aggregate classification (germline): Uncertain significance (1 of 4 stars; one submission).

gnomAD v4.1: 6 of 1,527,722 alleles (0.00039%); highest among the groups gnomAD compares: South Asian, 0.0047%; no homozygotes.

Submission:

Labcorp Genetics (formerly Invitae), Labcorp
Classification: Uncertain significance. Last evaluated: 2025-10-02. Review status: criteria provided, single submitter. Criteria: Invitae Variant Classification Sherloc (09022015). Collection method: clinical testing. Allele origin: germline.
Comment: This sequence change replaces proline, which is neutral and non-polar, with arginine, which is basic and polar, at codon 1123 of the COL18A1 protein (p.Pro1123Arg). This variant is present in population databases (no rsID available, gnomAD 0.01%). This variant has not been reported in the literature in individuals affected with COL18A1-related conditions. ClinVar contains an entry for this variant (Variation ID: 1914721). Experimental studies and prediction algorithms are not available or were not evaluated, and the functional significance of this variant is currently unknown. In summary, the available evidence is currently insufficient to determine the role of this variant in disease. Therefore, it has been classified as a Variant of Uncertain Significance.

NM_001379500.1(COL18A1):c.3377C>G (p.Pro1126Arg)

Genes: COL18A1 (collagen type XVIII alpha 1 chain; plus strand), SLC19A1 (solute carrier family 19 member 1; minus strand). Cytogenetic location: 21q22.3.
Variant type: single nucleotide variant.
Coding change: c.3377C>G on transcript NM_001379500.1 (MANE Select); coding-DNA position 3377, C replaced by G.
Protein change: p.Pro1126Arg; replaces proline 1126 with arginine.
Molecular consequence: missense variant.
Genome position (GRCh38, 1-based): chr21:45,509,483, C>G. VCF-style: chr21-45509483-C-G. GRCh37 (hg19) VCF-style: chr21-46929397-C-G.
Other names: c.3908C>G, p.Pro1303Arg (NM_030582.4); c.4613C>G, p.Pro1538Arg (NM_130444.3); short protein forms P1538R, P1126R, P1303R.
Identifiers: ClinVar variation 1914721 (VCV001914721.4), dbSNP rs1022303980, ClinGen allele CA321923453.